The following is an entry in ClinVar:

NM_004525.3(LRP2):c.4927C>T (p.Arg1643Trp)

Gene: LRP2 (LDL receptor related protein 2; minus strand). Cytogenetic location: 2q31.1.
Variant type: single nucleotide variant.
Coding change: c.4927C>T on transcript NM_004525.3 (MANE Select); coding-DNA position 4927, C replaced by T.
Protein change: p.Arg1643Trp; replaces arginine 1643 with tryptophan.
Molecular consequence: missense variant.
Genome position (GRCh38, 1-based): chr2:169,233,582, G>A on the plus strand (C>T on the coding strand, the complement: LRP2 is on the minus strand). VCF-style: chr2-169233582-G-A. GRCh37 (hg19) VCF-style: chr2-170090092-G-A.
Other names: short protein forms R1643W.
Identifiers: ClinVar variation 1909264 (VCV001909264.3), dbSNP rs140789320, ClinGen allele CA1954666.

ClinVar aggregate classification (germline): Uncertain significance. Review status: criteria provided, multiple submitters, no conflicts (2 of 4 stars). 2 submissions from 2 submitters: Uncertain significance (2). Last evaluated 2023-12-29.

Conditions:
Donnai-Barrow syndrome. Also called: DBS/FOAR SYNDROME; FACIOOCULOACOUSTICORENAL SYNDROME. Identifiers: Orphanet 2143, MedGen C1857277, MONDO:0009104, OMIM 222448.

Allele frequency attached by ClinVar (database versions not stated): gnomAD 0.00003; TOPMed 0.00003; ExAC 0.00004; gnomAD exomes 0.00004; ESP Exome Variant Server 0.00015; 1000 Genomes Project 0.00020; 1000 Genomes Project 30x 0.00031.
gnomAD v4.1: 58 of 1,613,952 alleles (0.0036%); highest among the groups gnomAD compares: Middle Eastern, 0.017%; no homozygotes.

Submissions (2):

Fulgent Genetics
Classification: Uncertain significance for Donnai-Barrow syndrome. Last evaluated: 2023-12-29. Review status: criteria provided, single submitter. Criteria: ACMG Guidelines, 2015. Collection method: clinical testing. Allele origin: germline.

Labcorp Genetics (formerly Invitae), Labcorp
Classification: Uncertain significance. Last evaluated: 2022-01-16. Review status: criteria provided, single submitter. Criteria: Invitae Variant Classification Sherloc (09022015). Collection method: clinical testing. Allele origin: germline.
Comment: This sequence change replaces arginine, which is basic and polar, with tryptophan, which is neutral and slightly polar, at codon 1643 of the LRP2 protein (p.Arg1643Trp). This variant is present in population databases (rs140789320, gnomAD 0.04%). This variant has not been reported in the literature in individuals affected with LRP2-related conditions. Advanced modeling of protein sequence and biophysical properties (such as structural, functional, and spatial information, amino acid conservation, physicochemical variation, residue mobility, and thermodynamic stability) performed at Invitae indicates that this missense variant is expected to disrupt LRP2 protein function. In summary, the available evidence is currently insufficient to determine the role of this variant in disease. Therefore, it has been classified as a Variant of Uncertain Significance.